The following is an entry in ClinVar:

ClinVar aggregate classification (germline): Uncertain significance (1 of 4 stars; one submission).

Allele frequency attached by ClinVar (database versions not stated): gnomAD exomes below 0.00001; gnomAD 0.00001.
gnomAD v4.1: 2 of 1,614,090 alleles (0.00012%); highest among the groups gnomAD compares: Admixed American, 0.0033%; no homozygotes.

Submission:

Labcorp Genetics (formerly Invitae), Labcorp
Classification: Uncertain significance. Last evaluated: 2021-08-28. Review status: criteria provided, single submitter. Criteria: Invitae Variant Classification Sherloc (09022015). Collection method: clinical testing. Allele origin: germline.
Comment: This variant has not been reported in the literature in individuals affected with RHO-related conditions. In summary, the available evidence is currently insufficient to determine the role of this variant in disease. Therefore, it has been classified as a Variant of Uncertain Significance. Advanced modeling of protein sequence and biophysical properties (such as structural, functional, and spatial information, amino acid conservation, physicochemical variation, residue mobility, and thermodynamic stability) performed at Invitae indicates that this missense variant is not expected to disrupt RHO protein function. This variant is not present in population databases (ExAC no frequency). This sequence change replaces alanine with serine at codon 80 of the RHO protein (p.Ala80Ser). The alanine residue is highly conserved and there is a moderate physicochemical difference between alanine and serine.

NM_000539.3(RHO):c.238G>T (p.Ala80Ser)

Gene: RHO (rhodopsin; plus strand). Cytogenetic location: 3q22.1.
Variant type: single nucleotide variant.
Coding change: c.238G>T on transcript NM_000539.3 (MANE Select); coding-DNA position 238, G replaced by T.
Protein change: p.Ala80Ser; replaces alanine 80 with serine.
Molecular consequence: missense variant.
Genome position (GRCh38, 1-based): chr3:129,528,971, G>T. VCF-style: chr3-129528971-G-T. GRCh37 (hg19) VCF-style: chr3-129247814-G-T.
Other names: short protein forms A80S.
Identifiers: ClinVar variation 1351618 (VCV001351618.6), dbSNP rs1176212506, ClinGen allele CA354496452.